The following is an entry in ClinVar:

ClinVar aggregate classification (germline): Uncertain significance (1 of 4 stars; one submission).

Conditions:
Malignant hyperthermia, susceptibility to, 5 (MHS5). Also called: CACNA1S-Related Malignant Hyperthermia Susceptibility. Identifiers: Orphanet 423, MedGen C1866077, MONDO:0011163, OMIM 601887.

Submission:

All of Us Research Program, National Institutes of Health
Classification: Uncertain significance for Malignant hyperthermia, susceptibility to, 5. Last evaluated: 2023-08-15. Review status: criteria provided, single submitter. Criteria: ACMG Guidelines, 2015. Collection method: clinical testing. Allele origin: germline. Inheritance: Autosomal dominant inheritance. Observed: 1 variant allele, 1 heterozygote.
Comment: This variant deletes 4 nucleotides in exon 40 of the CACNA1S gene, creating a frameshift and premature translation stop signal. This variant is expected to result in an absent or non-functional protein product. To our knowledge, this variant has not been reported in individuals affected with CACNA1S-related disorders in the literature. This variant has not been identified in the general population by the Genome Aggregation Database (gnomAD). Loss of CACNA1S gene function due to haploinsufficiency is not an established disease mechanism for autosomal dominant malignant hyperthermia. Due to insufficient evidence, this variant is classified as a Variant of Uncertain Significance for autosomal dominant malignant hyperthermia.

This study involves interpretation of variants in research participants for the purpose of population health screening. Participant phenotype was not available at the time of variant classification. Additional details can be found in publication PMID: 35346344, PMCID: PMC8962531

NM_000069.3(CACNA1S):c.4963_4966del (p.Pro1655fs)

Gene: CACNA1S (calcium voltage-gated channel subunit alpha1 S; minus strand). Cytogenetic location: 1q32.1.
Variant type: Deletion.
Coding change: c.4963_4966del on transcript NM_000069.3 (MANE Select); coding-DNA positions 4963 to 4966, 4 bases deleted (CCCC; older notation c.4963_4966delCCCC).
Protein change: p.Pro1655fs; shifts the reading frame from proline 1655.
Molecular consequence: frameshift variant.
Genome position (GRCh38, 1-based): chr1:201,043,363-201,043,366, GGGG deleted on the plus strand (CCCC on the coding strand, the reverse complement: CACNA1S is on the minus strand); deleting any 4 consecutive bases within chr1:201,043,363-201,043,367 gives the same sequence; the c. name uses the placement nearest the transcript's 3' end. VCF-style (leftmost placement, unchanged base first): chr1-201043362-AGGGG-A. GRCh37 (hg19) VCF-style: chr1-201012490-AGGGG-A.
Other names: short protein forms P1655fs.
Identifiers: ClinVar variation 3073016 (VCV003073016.1), dbSNP rs1233559712, ClinGen allele CA2825000894.